The following is an entry in ClinVar:

ClinVar aggregate classification (germline): Uncertain significance (1 of 4 stars; one submission).

Conditions:
Primary ciliary dyskinesia. Also called: Ciliary dyskinesia. Identifiers: Orphanet 244, MedGen C0008780, MONDO:0016575, HP:0012265.

Submission:

Labcorp Genetics (formerly Invitae), Labcorp
Classification: Uncertain significance for Primary ciliary dyskinesia. Last evaluated: 2021-08-12. Review status: criteria provided, single submitter. Criteria: Invitae Variant Classification Sherloc (09022015). Collection method: clinical testing. Allele origin: germline.
Comment: This sequence change replaces phenylalanine with leucine at codon 1754 of the DNAH5 protein (p.Phe1754Leu). The phenylalanine residue is highly conserved and there is a small physicochemical difference between phenylalanine and leucine. This variant is not present in population databases (ExAC no frequency). This missense change has been observed in individual(s) with clinical features of DNAH5-related conditions (Invitae). Algorithms developed to predict the effect of missense changes on protein structure and function are either unavailable or do not agree on the potential impact of this missense change (SIFT: "Deleterious"; PolyPhen-2: "Benign"; Align-GVGD: "Class C0"). In summary, the available evidence is currently insufficient to determine the role of this variant in disease. Therefore, it has been classified as a Variant of Uncertain Significance.

NM_001369.3(DNAH5):c.5262C>G (p.Phe1754Leu)

Gene: DNAH5 (dynein axonemal heavy chain 5; minus strand). Cytogenetic location: 5p15.2.
Variant type: single nucleotide variant.
Coding change: c.5262C>G on transcript NM_001369.3 (MANE Select); coding-DNA position 5262, C replaced by G.
Protein change: p.Phe1754Leu; replaces phenylalanine 1754 with leucine.
Molecular consequence: missense variant.
Genome position (GRCh38, 1-based): chr5:13,844,846, G>C on the plus strand (C>G on the coding strand, the complement: DNAH5 is on the minus strand). VCF-style: chr5-13844846-G-C. GRCh37 (hg19) VCF-style: chr5-13844955-G-C.
Other names: short protein forms F1754L.
Identifiers: ClinVar variation 970314 (VCV000970314.4), dbSNP rs1765751014, ClinGen allele CA359213589.